The following is an entry in ClinVar:

NM_001256715.2(DNAAF3):c.826G>C (p.Asp276His)

Genes: DNAAF3 (dynein axonemal assembly factor 3; minus strand), DNAAF3-AS1 (DNAAF3 antisense RNA 1; plus strand). Cytogenetic location: 19q13.42.
Variant type: single nucleotide variant.
Coding change: c.826G>C on transcript NM_001256715.2 (MANE Select); coding-DNA position 826, G replaced by C.
Protein change: p.Asp276His; replaces aspartic acid 276 with histidine.
Molecular consequence: missense variant.
Genome position (GRCh38, 1-based): chr19:55,161,151, C>G on the plus strand (G>C on the coding strand, the complement: DNAAF3 is on the minus strand). VCF-style: chr19-55161151-C-G. GRCh37 (hg19) VCF-style: chr19-55672519-C-G.
Other names: c.1030G>C, p.Asp344His (NM_001256714.1); c.664G>C, p.Asp222His (NM_001256716.2); c.967G>C, p.Asp323His (NM_178837.4); short protein forms D276H, D323H, D222H, D344H.
Identifiers: ClinVar variation 639659 (VCV000639659.6), dbSNP rs1353927924, ClinGen allele CA407452711.

ClinVar aggregate classification (germline): Uncertain significance (1 of 4 stars; one submission).

Conditions:
Primary ciliary dyskinesia. Also called: Ciliary dyskinesia. Identifiers: Orphanet 244, MedGen C0008780, MONDO:0016575, HP:0012265.

Allele frequency attached by ClinVar (database versions not stated): TOPMed below 0.00001.
gnomAD v4.1: 2 of 1,555,546 alleles (0.00013%); highest among the groups gnomAD compares: Non-Finnish European, 0.00017%; no homozygotes.

Submission:

Labcorp Genetics (formerly Invitae), Labcorp
Classification: Uncertain significance for Primary ciliary dyskinesia. Last evaluated: 2021-08-31. Review status: criteria provided, single submitter. Criteria: Invitae Variant Classification Sherloc (09022015). Collection method: clinical testing. Allele origin: germline.
Comment: This sequence change replaces aspartic acid with histidine at codon 344 of the DNAAF3 protein (p.Asp344His). The aspartic acid residue is highly conserved and there is a moderate physicochemical difference between aspartic acid and histidine. This variant is not present in population databases (ExAC no frequency). This variant has not been reported in the literature in individuals affected with DNAAF3-related conditions. Algorithms developed to predict the effect of missense changes on protein structure and function are either unavailable or do not agree on the potential impact of this missense change (SIFT: "Deleterious"; PolyPhen-2: "Probably Damaging"; Align-GVGD: "Class C0"). In summary, the available evidence is currently insufficient to determine the role of this variant in disease. Therefore, it has been classified as a Variant of Uncertain Significance.